The following is an entry in ClinVar:

NM_001303052.2(MYT1L):c.113G>A (p.Gly38Asp)

Gene: MYT1L (myelin transcription factor 1 like; minus strand). Cytogenetic location: 2p25.3.
Variant type: single nucleotide variant.
Coding change: c.113G>A on transcript NM_001303052.2 (MANE Select); coding-DNA position 113, G replaced by A.
Protein change: p.Gly38Asp; replaces glycine 38 with aspartic acid.
Molecular consequence: missense variant.
Genome position (GRCh38, 1-based): chr2:1,979,204, C>T on the plus strand (G>A on the coding strand, the complement: MYT1L is on the minus strand). VCF-style: chr2-1979204-C-T. GRCh37 (hg19) VCF-style: chr2-1982976-C-T.
Other names: c.113G>A, p.Gly38Asp (NM_001329844.2, NM_001329845.1, NM_001329846.3 and 6 more transcripts); short protein forms G38D.
Identifiers: ClinVar variation 1307541 (VCV001307541.2), dbSNP rs2149488963, ClinGen allele CA345864906.
Genomic context (GRCh38, chr2:1,979,204, plus strand): 5'-AAAAAAAAATGCAGGCATTACCTTCTGTGTCTTGCATATTTGCCACTGACATGACCACTG[C>T]CGTCACAGCCAGGGGTGGGACAGCTGCAACAGGAAAGAATGGATTACACGGTGCCGCAGG-3'
Protein context (NP_001289981.1, residues 28-48): LFSCPTPGCD[Gly38Asp]SGHVSGKYAR

ClinVar aggregate classification (germline): Uncertain significance (1 of 4 stars; one submission).

gnomAD v4.1: 2 of 1,613,936 alleles (0.00012%); highest among the groups gnomAD compares: Non-Finnish European, 0.00017%; no homozygotes.

Submission:

GeneDx
Classification: Uncertain significance. Last evaluated: 2019-08-05. Review status: criteria provided, single submitter. Criteria: GeneDx Variant Classification Process June 2021. Collection method: clinical testing. Allele origin: germline. Affected: yes.
Comment: Not observed in large population cohorts (Lek et al., 2016); In silico analysis, which includes protein predictors and evolutionary conservation, supports a deleterious effect; Has not been previously published as pathogenic or benign to our knowledge